The following is an entry in ClinVar:

ClinVar aggregate classification (germline): Uncertain significance (1 of 4 stars; one submission).

Submission:

Labcorp Genetics (formerly Invitae), Labcorp
Classification: Uncertain significance. Last evaluated: 2022-09-23. Review status: criteria provided, single submitter. Criteria: Invitae Variant Classification Sherloc (09022015). Collection method: clinical testing. Allele origin: germline.
Comment: This sequence change replaces aspartic acid, which is acidic and polar, with glycine, which is neutral and non-polar, at codon 829 of the SI protein (p.Asp829Gly). This variant is not present in population databases (gnomAD no frequency). This variant has not been reported in the literature in individuals affected with SI-related conditions. Advanced modeling of protein sequence and biophysical properties (such as structural, functional, and spatial information, amino acid conservation, physicochemical variation, residue mobility, and thermodynamic stability) has been performed at Invitae for this missense variant, however the output from this modeling did not meet the statistical confidence thresholds required to predict the impact of this variant on SI protein function. In summary, the available evidence is currently insufficient to determine the role of this variant in disease. Therefore, it has been classified as a Variant of Uncertain Significance.

NM_001041.4(SI):c.2486A>G (p.Asp829Gly)

Gene: SI (sucrase-isomaltase; minus strand). Cytogenetic location: 3q26.1.
Variant type: single nucleotide variant.
Coding change: c.2486A>G on transcript NM_001041.4 (MANE Select); coding-DNA position 2486, A replaced by G.
Protein change: p.Asp829Gly; replaces aspartic acid 829 with glycine.
Molecular consequence: missense variant.
Genome position (GRCh38, 1-based): chr3:165,036,418, T>C on the plus strand (A>G on the coding strand, the complement: SI is on the minus strand). VCF-style: chr3-165036418-T-C. GRCh37 (hg19) VCF-style: chr3-164754206-T-C.
Other names: short protein forms D829G.
Identifiers: ClinVar variation 1720183 (VCV001720183.5), dbSNP rs2473336146, ClinGen allele CA355047491.